The following is an entry in ClinVar:

ClinVar aggregate classification (germline): Uncertain significance (1 of 4 stars; one submission).

Conditions:
Epilepsy, familial adult myoclonic, 5 (EPEO5). Also called: CORTICAL MYOCLONIC TREMOR WITH EPILEPSY, FAMILIAL, 5. Identifiers: Orphanet 86814, MedGen C3809374, MONDO:0014167, OMIM 615400.

gnomAD v4.1: 3 of 1,613,920 alleles (0.00019%); highest among the groups gnomAD compares: Admixed American, 0.0033%; no homozygotes.

Submission:

Labcorp Genetics (formerly Invitae), Labcorp
Classification: Uncertain significance for Epilepsy, familial adult myoclonic, 5. Last evaluated: 2018-08-29. Review status: criteria provided, single submitter. Criteria: Invitae Variant Classification Sherloc (09022015). Collection method: clinical testing. Allele origin: germline.
Comment: Algorithms developed to predict the effect of missense changes on protein structure and function are either unavailable or do not agree on the potential impact of this missense change (SIFT: "Deleterious"; PolyPhen-2: "Benign"; Align-GVGD: "Class C15"). This variant has not been reported in the literature in individuals with CNTN2-related disease. This variant is present in population databases (rs144293383, ExAC 0.009%). This sequence change replaces glutamine with histidine at codon 838 of the CNTN2 protein (p.Gln838His). The glutamine residue is highly conserved and there is a small physicochemical difference between glutamine and histidine. In summary, the available evidence is currently insufficient to determine the role of this variant in disease. Therefore, it has been classified as a Variant of Uncertain Significance.

NM_005076.5(CNTN2):c.2514G>C (p.Gln838His)

Gene: CNTN2 (contactin 2; plus strand). Cytogenetic location: 1q32.1.
Variant type: single nucleotide variant.
Coding change: c.2514G>C on transcript NM_005076.5 (MANE Select); coding-DNA position 2514, G replaced by C.
Protein change: p.Gln838His; replaces glutamine 838 with histidine.
Molecular consequence: missense variant. On other transcripts: non-coding transcript variant (1).
Genome position (GRCh38, 1-based): chr1:205,070,508, G>C. VCF-style: chr1-205070508-G-C. GRCh37 (hg19) VCF-style: chr1-205039636-G-C.
Other names: c.2514G>C, p.Gln838His (NM_001346083.2); short protein forms Q838H.
Identifiers: ClinVar variation 665221 (VCV000665221.7), dbSNP rs144293383, ClinGen allele CA1351713.
Genomic context (GRCh38, chr1:205,070,508, plus strand): 5'-GGTGTGGGCCAAAGGGGTCTCATCCTCAGAGATGAACGTGACCTGGGAACCCGTGCAGCA[G>C]GACATGAATGGTATCCTCCTGGGGTATGAGGTGAGCACCAACCTGGGACTTGGGAGAGGA-3'
Protein context (NP_005067.1, residues 828-848): EMNVTWEPVQ[Gln838His]DMNGILLGYE